The following is an entry in ClinVar:

NM_006662.3(SRCAP):c.88G>A (p.Val30Met)

Gene: SRCAP (Snf2 related CREBBP activator protein; plus strand). Cytogenetic location: 16p11.2.
Variant type: single nucleotide variant.
Coding change: c.88G>A on transcript NM_006662.3 (MANE Select); coding-DNA position 88, G replaced by A.
Protein change: p.Val30Met; replaces valine 30 with methionine.
Molecular consequence: missense variant.
Genome position (GRCh38, 1-based): chr16:30,704,097, G>A. VCF-style: chr16-30704097-G-A. GRCh37 (hg19) VCF-style: chr16-30715418-G-A.
Other names: short protein forms V30M.
Identifiers: ClinVar variation 3365828 (VCV003365828.1).

ClinVar aggregate classification (germline): Uncertain significance (1 of 4 stars; one submission).

Submission:

GeneDx
Classification: Uncertain significance. Last evaluated: 2023-12-21. Review status: criteria provided, single submitter. Criteria: GeneDx Variant Classification Process June 2021. Collection method: clinical testing. Allele origin: germline. Affected: yes.
Comment: Not observed at significant frequency in large population cohorts (gnomAD); In silico analysis supports that this missense variant has a deleterious effect on protein structure/function; Has not been previously published as pathogenic or benign to our knowledge